The following is an entry in ClinVar:

ClinVar aggregate classification (germline): Uncertain significance (1 of 4 stars; one submission).

Conditions:
NCOA1-related disorder. Also called: NCOA1-related condition.

gnomAD v4.1: 6 of 1,613,038 alleles (0.00037%); highest among the groups gnomAD compares: African/African-American, 0.0053%; no homozygotes.

Submission:

PreventionGenetics, part of Exact Sciences
Classification: Uncertain significance for NCOA1-related condition. Last evaluated: 2026-03-18. Review status: criteria provided, single submitter. Criteria: ACMG Guidelines, 2015. Collection method: clinical testing. Allele origin: germline.
Comment: The NCOA1 c.536A>G variant is predicted to result in the amino acid substitution p.Asn179Ser. To our knowledge, this variant has not been reported in the literature. This variant is reported in 0.012% of alleles in individuals of African descent in gnomAD. At this time, the clinical significance of this variant is uncertain due to the absence of conclusive functional and genetic evidence.

NM_003743.5(NCOA1):c.536A>G (p.Asn179Ser)

Gene: NCOA1 (nuclear receptor coactivator 1; plus strand). Cytogenetic location: 2p23.3.
Variant type: single nucleotide variant.
Coding change: c.536A>G on transcript NM_003743.5 (MANE Select); coding-DNA position 536, A replaced by G.
Protein change: p.Asn179Ser; replaces asparagine 179 with serine.
Molecular consequence: missense variant.
Genome position (GRCh38, 1-based): chr2:24,691,484, A>G. VCF-style: chr2-24691484-A-G. GRCh37 (hg19) VCF-style: chr2-24914353-A-G.
Other names: c.536A>G, p.Asn179Ser (NM_001362950.1, NM_001362952.1, NM_001362954.1 and 3 more transcripts); short protein forms N179S.
Identifiers: ClinVar variation 4987064 (VCV004987064.1).